The following is an entry in ClinVar:

NM_000062.3(SERPING1):c.1030-1222A>G

Gene: SERPING1 (serpin family G member 1; plus strand). Cytogenetic location: 11q12.1.
Variant type: single nucleotide variant.
Coding change: c.1030-1222A>G on transcript NM_000062.3 (MANE Select); 1222 bases into the intron before coding-DNA position 1030, A replaced by G.
Molecular consequence: intron variant.
Genome position (GRCh38, 1-based): chr11:57,610,495, A>G. VCF-style: chr11-57610495-A-G. GRCh37 (hg19) VCF-style: chr11-57377968-A-G.
Other names: c.1030-1222A>G (NM_001032295.2).
Identifiers: ClinVar variation 983232 (VCV000983232.2), dbSNP rs3824988, ClinGen allele CA13484492.
Genomic context (GRCh38, chr11:57,610,495, plus strand): 5'-CTTGAGTGCTACATCAACAGGGACCCCATGTCCACTCTTTTCAGTCGAAATTGGCTTACT[A>G]TCTACTTCTTCTGGGCTATTCAGGTTCCGACAATTGATTGCTTTCAGTTAATTTCTTTAT-3'

ClinVar aggregate classification (germline): Benign (1 of 4 stars; one submission).

Conditions:
Hereditary angioedema type 1 (HAE1). Identifiers: Orphanet 100050, Orphanet 100051, Orphanet 91378, MedGen C2717906, MONDO:0015053, OMIM 106100.

Allele frequency attached by ClinVar (database versions not stated): 1000 Genomes Project 0.14896; 1000 Genomes Project 30x 0.15100; TOPMed 0.19607; gnomAD 0.21130 and 0.21286.
gnomAD v4.1: 32,234 of 152,194 alleles (21%); highest among the groups gnomAD compares: Non-Finnish European, 27%; 3,917 homozygotes.

Submission:

CeMIA
Classification: Benign for Hereditary angioedema type 1. Review status: criteria provided, single submitter. Criteria: ACMG Guidelines, 2015. Collection method: clinical testing. Allele origin: germline. Affected: yes.
Comment: This variant is considered likely benign or benign based on one or more of the following criteria: allele frequency is >5% in Exome Sequencing Project, 1000 Genomes Project, or Exome Aggregation Consortium (BA1), allele frequency is greater than expected for disorder (BS1), it is observed in a healthy adult individual (BS2), it is predicted to be benign by multiple in silico algorithms (BP4), it is found in a case with an alternate molecular basis for the disease (BP5) and/or reputable source recently reports variant as benign (BP6).

Literature cited by the submitters: PubMed 31959500.